The following is an entry in ClinVar:

ClinVar aggregate classification (germline): Conflicting classifications of pathogenicity. Review status: criteria provided, conflicting classifications (1 of 4 stars). 2 submissions from 2 submitters: Likely pathogenic (1); Uncertain significance (1). Last evaluated 2025-07-16.

Conditions:
3M syndrome 3. Also called: THREE M SYNDROME 3; 3-M Syndrome, CCDC8-Related. Identifiers: Orphanet 2616, MedGen C3280146, MONDO:0013627, OMIM 614205.

Submissions (2):

Women's Health and Genetics/Laboratory Corporation of America, LabCorp
Classification: Uncertain significance. Last evaluated: 2025-07-16. Review status: criteria provided, single submitter. Criteria: LabCorp Variant Classification Summary - May 2015. Collection method: clinical testing. Allele origin: germline.
Comment: Variant summary: CCDC8 c.4_22dup19 (p.Val8AlafsX28) results in a premature termination codon, predicted to cause a truncation of the encoded protein or absence of the protein due to nonsense mediated decay, however current evidence is not sufficient to establish loss of function as a mechanism for disease. The variant was absent in 249484 control chromosomes. The available data on variant occurrences in the general population are insufficient to allow any conclusion about variant significance. To our knowledge, no occurrence of c.4_22dup19 in individuals affected with Three M Syndrome 3 and no experimental evidence demonstrating its impact on protein function have been reported. ClinVar contains an entry for this variant (Variation ID: 2429292). Based on the evidence outlined above, the variant was classified as uncertain significance.

Fulgent Genetics
Classification: Likely pathogenic for 3M syndrome 3. Last evaluated: 2024-03-05. Review status: criteria provided, single submitter. Criteria: ACMG Guidelines, 2015. Collection method: clinical testing. Allele origin: germline.

NM_032040.5(CCDC8):c.4_22dup (p.Val8fs)

Gene: CCDC8 (coiled-coil domain containing 8 subunit of 3M complex; minus strand). Cytogenetic location: 19q13.32.
Variant type: Duplication.
Coding change: c.4_22dup on transcript NM_032040.5 (MANE Select); coding-DNA positions 4 to 22, 19 bases duplicated (CTGCAGATCGGGGAGGACG).
Protein change: p.Val8fs; shifts the reading frame from valine 8.
Molecular consequence: frameshift variant, initiator codon variant.
Genome position (GRCh38, 1-based): chr19:46,412,789-46,412,807, CGTCCTCCCCGATCTGCAG duplicated on the plus strand (CTGCAGATCGGGGAGGACG on the coding strand, the reverse complement: CCDC8 is on the minus strand); duplicating any 19 consecutive bases within chr19:46,412,789-46,412,808 gives the same sequence; the c. name uses the placement nearest the transcript's 3' end. VCF-style (leftmost placement, unchanged base first): chr19-46412788-A-ACGTCCTCCCCGATCTGCAG. GRCh37 (hg19) VCF-style: chr19-46916045-A-ACGTCCTCCCCGATCTGCAG.
Other names: c.4_22dup19 (NM_032040.5); short protein forms V8fs.
Identifiers: ClinVar variation 2429292 (VCV002429292.5), dbSNP rs2513603113, ClinGen allele CA2580097427.